The following is an entry in ClinVar:

NM_001145165.2(DOHH):c.416C>T (p.Pro139Leu)

Gene: DOHH (deoxyhypusine hydroxylase; minus strand). Cytogenetic location: 19p13.3.
Variant type: single nucleotide variant.
Coding change: c.416C>T on transcript NM_001145165.2 (MANE Select); coding-DNA position 416, C replaced by T.
Protein change: p.Pro139Leu; replaces proline 139 with leucine.
Molecular consequence: missense variant.
Genome position (GRCh38, 1-based): chr19:3,492,435, G>A on the plus strand (C>T on the coding strand, the complement: DOHH is on the minus strand). VCF-style: chr19-3492435-G-A. GRCh37 (hg19) VCF-style: chr19-3492433-G-A.
Other names: c.416C>T, p.Pro139Leu (NM_031304.5); short protein forms P139L.
Identifiers: ClinVar variation 3770678 (VCV003770678.13).

ClinVar aggregate classification (germline): Likely benign (1 of 4 stars; one submission).

gnomAD v4.1: 5,823 of 1,487,438 alleles (0.39%); highest among the groups gnomAD compares: Non-Finnish European, 0.47%; 19 homozygotes.

Submission:

CeGaT Center for Human Genetics Tuebingen
Classification: Likely benign. Last evaluated: 2026-09-01. Review status: criteria provided, single submitter. Criteria: CeGaT Center For Human Genetics Tuebingen Variant Classification Criteria Version 2. Collection method: clinical testing. Allele origin: germline. Affected: yes. Observed: 6 variant alleles.
Comment: DOHH: BP4, BS2